The following is an entry in ClinVar:

NM_001365088.1(SLC12A6):c.2812_2813dup (p.Cys939fs)

Gene: SLC12A6 (solute carrier family 12 member 6; minus strand). Cytogenetic location: 15q14.
Variant type: Duplication.
Coding change: c.2812_2813dup on transcript NM_001365088.1 (MANE Select); coding-DNA positions 2812 to 2813, 2 bases duplicated (AA; older notation c.2812_2813dupAA).
Protein change: p.Cys939fs; shifts the reading frame from cysteine 939.
Molecular consequence: frameshift variant.
Genome position (GRCh38, 1-based): chr15:34,237,540-34,237,541, TT duplicated on the plus strand (AA on the coding strand, the reverse complement: SLC12A6 is on the minus strand); duplicating any 2 consecutive bases within chr15:34,237,540-34,237,542 gives the same sequence; the c. name uses the placement nearest the transcript's 3' end. VCF-style (leftmost placement, unchanged base first): chr15-34237539-C-CTT. GRCh37 (hg19) VCF-style: chr15-34529740-C-CTT.
Other names: c.2635_2636dup, p.Cys880fs (NM_001042494.2, NM_001042495.2); c.2785_2786dup, p.Cys930fs (NM_001042496.2); c.2767_2768dup, p.Cys924fs (NM_001042497.2); c.2659_2660dup, p.Cys888fs (NM_005135.2); c.2812_2813dup, p.Cys939fs (NM_133647.2); short protein forms C880fs, C888fs, C924fs, C930fs, C939fs.
Identifiers: ClinVar variation 5014159 (VCV005014159.1).

ClinVar aggregate classification (germline): Pathogenic (1 of 4 stars; one submission).

Conditions:
Agenesis of the corpus callosum with peripheral neuropathy (ACCPN). Also called: CHARLEVOIX DISEASE; POLYNEUROPATHY, SENSORIMOTOR, WITH OR WITHOUT AGENESIS OF THE CORPUS CALLOSUM; HMSN/ACC; Hereditary Motor and Sensory Neuropathy with Agenesis of the Corpus Callosum. Identifiers: Orphanet 1496, MedGen C0795950, MONDO:0000902, OMIM 218000. Disease mechanism: loss of function.

Submission:

Myriad Genetics, Inc.
Classification: Pathogenic for Agenesis of the corpus callosum with peripheral neuropathy. Last evaluated: 2025-03-01. Review status: criteria provided, single submitter. Criteria: Myriad Autosomal Dominant, Autosomal Recessive and X-Linked Classification Criteria (2023). Collection method: clinical testing. Allele origin: unknown.
Comment: NM_133647.1(SLC12A6):c.2812_2813dupAA(C939Sfs*9) is expected to be pathogenic in the context of Andermann syndrome. This variant is predicted to lead to an abnormal or absent protein product due to the creation of a premature termination codon in SLC12A6, a gene where loss-of-function variants are known to be pathogenic. Please note: this variant was assessed in the context of healthy population screening.